The following is an entry in ClinVar:

ClinVar aggregate classification (germline): Benign/Likely benign. Review status: criteria provided, multiple submitters, no conflicts (2 of 4 stars). 9 submissions from 9 submitters: Benign (3); Likely benign (6). Last evaluated 2025-11-18.

Conditions:
Hereditary cancer-predisposing syndrome. Also called: Tumor predisposition; Hereditary neoplastic syndrome; Hereditary Cancer Syndrome; Neoplastic Syndromes, Hereditary. Identifiers: Orphanet 140162, MedGen C0027672, MeSH D009386, MONDO:0015356.
Tuberous sclerosis syndrome (TSC). Also called: Tuberous Sclerosis Complex; Tuberous sclerosis. Identifiers: Orphanet 805, MedGen C0041341, MONDO:0001734.
Tuberous sclerosis 2 (TSC2). Identifiers: Orphanet 805, MedGen C1860707, MONDO:0013199, OMIM 613254.

Allele frequency attached by ClinVar (database versions not stated): gnomAD exomes 0.00002 and 0.00003; TOPMed 0.00002; ExAC 0.00003; gnomAD 0.00004.
gnomAD v4.1: 47 of 1,612,740 alleles (0.0029%); highest among the groups gnomAD compares: Middle Eastern, 0.016%; no homozygotes.

Submissions (9):

Labcorp Genetics (formerly Invitae), Labcorp
Classification: Benign for Tuberous sclerosis 2. Last evaluated: 2025-11-18. Review status: criteria provided, single submitter. Criteria: Invitae Variant Classification Sherloc (09022015). Collection method: clinical testing. Allele origin: germline.

Myriad Genetics, Inc.
Classification: Benign for Tuberous sclerosis 2. Last evaluated: 2025-06-06. Review status: criteria provided, single submitter. Criteria: Myriad Autosomal Dominant, Autosomal Recessive and X-Linked Classification Criteria (2023). Collection method: clinical testing. Allele origin: unknown.
Comment: This variant is considered benign. This variant is a silent/synonymous amino acid change and it is not expected to impact splicing.

CeGaT Center for Human Genetics Tuebingen
Classification: Likely benign. Last evaluated: 2024-12-01. Review status: criteria provided, single submitter. Criteria: CeGaT Center For Human Genetics Tuebingen Variant Classification Criteria Version 2. Collection method: clinical testing. Allele origin: germline. Affected: yes. Observed: 2 variant alleles.
Comment: TSC2: BP4, BP7

All of Us Research Program, National Institutes of Health
Classification: Likely benign for Tuberous sclerosis syndrome. Last evaluated: 2023-12-01. Review status: criteria provided, single submitter. Criteria: ACMG Guidelines, 2015. Collection method: clinical testing. Allele origin: germline. Inheritance: Autosomal dominant inheritance. Observed: 5 variant alleles, 5 heterozygotes.
Comment: This study involves interpretation of variants in research participants for the purpose of population health screening. Participant phenotype was not available at the time of variant classification. Additional details can be found in publication PMID: 35346344, PMCID: PMC8962531

Color Diagnostics, LLC DBA Color Health
Classification: Likely benign for Tuberous sclerosis syndrome. Last evaluated: 2022-11-06. Review status: criteria provided, single submitter. Criteria: ACMG Guidelines, 2015. Collection method: clinical testing. Allele origin: germline.

Genetic Services Laboratory, University of Chicago
Classification: Likely benign. Last evaluated: 2021-12-17. Review status: criteria provided, single submitter. Criteria: ACMG Guidelines, 2015. Collection method: clinical testing. Allele origin: germline. Affected: no.

Genome-Nilou Lab
Classification: Benign for Tuberous sclerosis 2. Last evaluated: 2021-11-07. Review status: criteria provided, single submitter. Criteria: ACMG Guidelines, 2015. Collection method: clinical testing. Allele origin: germline. Affected: no.

GeneDx
Classification: Likely benign. Last evaluated: 2020-01-08. Review status: criteria provided, single submitter. Criteria: GeneDx Variant Classification Process June 2021. Collection method: clinical testing. Allele origin: germline. Affected: yes.

Ambry Genetics
Classification: Likely benign for Hereditary cancer-predisposing syndrome. Last evaluated: 2019-11-13. Review status: criteria provided, single submitter. Criteria: Ambry Variant Classification Scheme 2023. Collection method: clinical testing. Allele origin: germline.

NM_000548.5(TSC2):c.5313G>A (p.Pro1771=)

Gene: TSC2 (TSC complex subunit 2; plus strand). Cytogenetic location: 16p13.3.
Variant type: single nucleotide variant.
Coding change: c.5313G>A on transcript NM_000548.5 (MANE Select); coding-DNA position 5313, G replaced by A.
Protein change: p.Pro1771=; no amino-acid change (proline 1771 retained).
Molecular consequence: synonymous variant.
Genome position (GRCh38, 1-based): chr16:2,088,499, G>A. VCF-style: chr16-2088499-G-A. GRCh37 (hg19) VCF-style: chr16-2138500-G-A.
Other names: c.5112G>A, p.Pro1704= (NM_001077183.3); c.5244G>A, p.Pro1748= (NM_001114382.3); c.5004G>A, p.Pro1668= (NM_001318827.2); c.4968G>A, p.Pro1656= (NM_001318829.2); c.4581G>A, p.Pro1527= (NM_001318831.2); c.5145G>A, p.Pro1715= (NM_001318832.2); c.5115G>A, p.Pro1705= (NM_001363528.2); c.5181G>A, p.Pro1727= (NM_001370404.1); and 3 more.
Identifiers: ClinVar variation 413716 (VCV000413716.41), dbSNP rs765607686, ClinGen allele CA055071.